The following is an entry in ClinVar:

NM_006648.4(WNK2):c.2315C>G (p.Pro772Arg)

Gene: WNK2 (WNK lysine deficient protein kinase 2; plus strand). Cytogenetic location: 9q22.31.
Variant type: single nucleotide variant.
Coding change: c.2315C>G on transcript NM_006648.4 (MANE Select); coding-DNA position 2315, C replaced by G.
Protein change: p.Pro772Arg; replaces proline 772 with arginine.
Molecular consequence: missense variant.
Genome position (GRCh38, 1-based): chr9:93,257,072, C>G. VCF-style: chr9-93257072-C-G. GRCh37 (hg19) VCF-style: chr9-96019354-C-G.
Other names: c.2315C>G, p.Pro772Arg (NM_001282394.3); short protein forms P772R.
Identifiers: ClinVar variation 4201744 (VCV004201744.1).

ClinVar aggregate classification (germline): Uncertain significance (1 of 4 stars; one submission).

Submission:

Ambry Genetics
Classification: Uncertain significance. Last evaluated: 2025-08-12. Review status: criteria provided, single submitter. Criteria: Ambry Variant Classification Scheme 2023. Collection method: clinical testing. Allele origin: germline.
Comment: The p.P772R variant (also known as c.2315C>G), located in coding exon 10 of the WNK2 gene, results from a C to G substitution at nucleotide position 2315. The proline at codon 772 is replaced by arginine, an amino acid with dissimilar properties. This amino acid position is conserved. In addition, this alteration is predicted to be tolerated by in silico analysis. Based on the available evidence, the clinical significance of this variant remains unclear.